The following is an entry in ClinVar:

NC_000015.10:g.(?_90811195)_(90811416_?)del

Gene: BLM (BLM RecQ like helicase; plus strand). Cytogenetic location: 15q26.1.
Variant type: Deletion.
Identifiers: ClinVar variation 583481 (VCV000583481.8).

ClinVar aggregate classification (germline): Pathogenic (1 of 4 stars; one submission).

Conditions:
Bloom syndrome (BLM). Also called: Bloom-Torre-Machacek syndrome. Identifiers: Orphanet 125, MedGen C0005859, MONDO:0008876, OMIM 210900.

Submission:

Labcorp Genetics (formerly Invitae), Labcorp
Classification: Pathogenic for Bloom syndrome. Last evaluated: 2023-08-17. Review status: criteria provided, single submitter. Criteria: Invitae Variant Classification Sherloc (09022015). Collection method: clinical testing. Allele origin: germline.
Comment: This variant is a gross deletion of the genomic region encompassing exon(s) 21 of the BLM gene. This deletion is out-of-frame, and is expected to create a premature termination codon and result in an absent or disrupted protein product. Loss-of-function variants in BLM are known to be pathogenic (PMID: 17407155). This variant has not been reported in the literature in individuals affected with BLM-related conditions. For these reasons, this variant has been classified as Pathogenic.

Literature cited by the submitters: PubMed 17407155.